The following is an entry in ClinVar:

NM_015375.3(DSTYK):c.2215C>G (p.Arg739Gly)

Gene: DSTYK (dual serine/threonine and tyrosine protein kinase; minus strand). Cytogenetic location: 1q32.1.
Variant type: single nucleotide variant.
Coding change: c.2215C>G on transcript NM_015375.3 (MANE Select); coding-DNA position 2215, C replaced by G.
Protein change: p.Arg739Gly; replaces arginine 739 with glycine.
Molecular consequence: missense variant.
Genome position (GRCh38, 1-based): chr1:205,159,570, G>C on the plus strand (C>G on the coding strand, the complement: DSTYK is on the minus strand). VCF-style: chr1-205159570-G-C. GRCh37 (hg19) VCF-style: chr1-205128698-G-C.
Other names: c.2215C>G, p.Arg739Gly (NM_199462.3); short protein forms R739G.
Identifiers: ClinVar variation 3369149 (VCV003369149.1).

ClinVar aggregate classification (germline): Uncertain significance (1 of 4 stars; one submission).

gnomAD v4.1: 1 of 1,575,850 alleles (0.000063%); highest among the groups gnomAD compares: African/African-American, 0.0014%; no homozygotes.

Submission:

GeneDx
Classification: Uncertain significance. Last evaluated: 2024-02-15. Review status: criteria provided, single submitter. Criteria: GeneDx Variant Classification Process June 2021. Collection method: clinical testing. Allele origin: germline. Affected: yes.
Comment: Not observed at significant frequency in large population cohorts (gnomAD); In silico analysis supports that this missense variant has a deleterious effect on protein structure/function; Has not been previously published as pathogenic or benign to our knowledge